The following is an entry in ClinVar:

ClinVar aggregate classification (germline): Pathogenic (1 of 4 stars; one submission).

Submission:

Labcorp Genetics (formerly Invitae), Labcorp
Classification: Pathogenic. Last evaluated: 2023-07-10. Review status: criteria provided, single submitter. Criteria: Invitae Variant Classification Sherloc (09022015). Collection method: clinical testing. Allele origin: germline.
Comment: This variant is a gross deletion of the genomic region encompassing exon(s) 21 of the MSH3 gene. This deletion is out-of-frame, and is expected to create a premature termination codon and result in an absent or disrupted protein product. Loss-of-function variants in MSH3 are known to be pathogenic (PMID: 27476653). This variant has not been reported in the literature in individuals affected with MSH3-related conditions. For these reasons, this variant has been classified as Pathogenic.

Literature cited by the submitters: PubMed 27476653.

NC_000005.9:g.(?_80149939)_(80150145_?)del

Gene: MSH3 (mutS homolog 3; plus strand). Cytogenetic location: 5q14.1.
Variant type: Deletion.
Identifiers: ClinVar variation 1074256 (VCV001074256.5).